The following is an entry in ClinVar:

ClinVar aggregate classification (germline): Benign. Review status: criteria provided, multiple submitters, no conflicts (2 of 4 stars). 7 submissions from 6 submitters: Benign (7). Last evaluated 2026-01-31.

Conditions:
Enhanced S-cone syndrome (ESCS). Identifiers: Orphanet 53540, MedGen C1849394, MONDO:0100288, MONDO:0009989.
Retinitis pigmentosa 37 (RP37). Identifiers: Orphanet 791, MedGen C1970163, MONDO:0012625, OMIM 611131.
Retinal dystrophy. Also called: Inherited retinal dystrophy. Identifiers: Orphanet 71862, MedGen C0854723, MeSH D058499, MONDO:0019118, HP:0000556.

Allele frequency attached by ClinVar (database versions not stated): TOPMed 0.00100; gnomAD exomes 0.00137 and 0.00379; gnomAD 0.00152 and 0.00063; ExAC 0.00410; 1000 Genomes Project 30x 0.00999; ESP Exome Variant Server 0.00008; 1000 Genomes Project 0.01138.

Submissions (7):

Labcorp Genetics (formerly Invitae), Labcorp
Classification: Benign. Last evaluated: 2026-01-31. Review status: criteria provided, single submitter. Criteria: Invitae Variant Classification Sherloc (09022015). Collection method: clinical testing. Allele origin: germline.

Dept Of Ophthalmology, Nagoya University
Classification: Benign for Retinal dystrophy. Last evaluated: 2023-10-01. Review status: criteria provided, single submitter. Criteria: Submitter's publication. Collection method: research. Allele origin: germline. Affected: yes.

ARUP Laboratories, Molecular Genetics and Genomics, ARUP Laboratories
Classification: Benign. Last evaluated: 2018-09-01. Review status: criteria provided, single submitter. Criteria: ARUP Molecular Germline Variant Investigation Process. Collection method: clinical testing. Allele origin: germline.

Illumina Laboratory Services, Illumina
Classification: Benign for Retinitis pigmentosa 37. Last evaluated: 2017-06-20. Review status: criteria provided, single submitter. Criteria: ICSL Variant Classification Criteria 13 December 2019. Collection method: clinical testing. Allele origin: germline.
Comment: This variant was observed as part of a predisposition screen in an ostensibly healthy population. A literature search was performed for the gene, cDNA change, and amino acid change (where applicable). No publications were found based on this search. Allele frequency data from public databases was too high to be consistent with this variant causing disease. Therefore, this variant is classified as benign.

Illumina Laboratory Services, Illumina
Classification: Benign for ENHANCED S-CONE SYNDROME 1. Last evaluated: 2017-06-20. Review status: criteria provided, single submitter. Criteria: ICSL Variant Classification Criteria 13 December 2019. Collection method: clinical testing. Allele origin: germline.
Comment: This variant was observed as part of a predisposition screen in an ostensibly healthy population. A literature search was performed for the gene, cDNA change, and amino acid change (where applicable). Publications were found based on this search. The evidence from the literature, in combination with allele frequency data from public databases where available, was sufficient to rule this variant out of causing disease. Therefore, this variant is classified as benign.

Eurofins Ntd Llc (ga)
Classification: Benign. Last evaluated: 2016-06-04. Review status: criteria provided, single submitter. Criteria: EGL Classification Definitions 2015. Collection method: clinical testing. Allele origin: germline. Observed: 1 variant allele, 1 heterozygote.

Breakthrough Genomics
Classification: Benign. Review status: criteria provided, single submitter. Criteria: ACMG Guidelines, 2015. Collection method: not provided. Allele origin: germline. Inheritance: Autosomal recessive inheritance. Affected: yes.

Literature cited by the submitters: PubMed 12963616 (cited by Illumina Laboratory Services, Illumina); PubMed 28300834 (cited by Illumina Laboratory Services, Illumina); PubMed 19898638 (cited by Illumina Laboratory Services, Illumina); PubMed 19933183 (cited by Eurofins Ntd Llc (ga)).

NM_014249.4(NR2E3):c.904G>A (p.Val302Ile)

Gene: NR2E3 (nuclear receptor subfamily 2 group E member 3; plus strand). Cytogenetic location: 15q23.
Variant type: single nucleotide variant.
Coding change: c.904G>A on transcript NM_014249.4 (MANE Select); coding-DNA position 904, G replaced by A.
Protein change: p.Val302Ile; replaces valine 302 with isoleucine.
Molecular consequence: missense variant.
Genome position (GRCh38, 1-based): chr15:71,813,545, G>A. VCF-style: chr15-71813545-G-A. GRCh37 (hg19) VCF-style: chr15-72105885-G-A.
Other names: c.904G>A, p.Val302Ile (NM_016346.4); short protein forms V302I.
Identifiers: ClinVar variation 497063 (VCV000497063.28), dbSNP rs1805025, ClinGen allele CA7640428.
Genomic context (GRCh38, chr15:71,813,545, plus strand): 5'-GAGGCCTCTGCTGCCGGTGGTGCCCAGGGCCGGCTCACGCTGGCCAGCATGGAGACGCGT[G>A]TCCTGCAGGAAACTATCTCTCGGTTCCGGGCATTGGCGGTGGACCCCACGGAGTTTGCCT-3'
Protein context (NP_055064.1, residues 292-312): RLTLASMETR[Val302Ile]LQETISRFRA